The following is an entry in ClinVar:

NM_003327.4(TNFRSF4):c.494T>C (p.Ile165Thr)

Gene: TNFRSF4 (TNF receptor superfamily member 4; minus strand). Cytogenetic location: 1p36.33.
Variant type: single nucleotide variant.
Coding change: c.494T>C on transcript NM_003327.4 (MANE Select); coding-DNA position 494, T replaced by C.
Protein change: p.Ile165Thr; replaces isoleucine 165 with threonine.
Molecular consequence: missense variant.
Genome position (GRCh38, 1-based): chr1:1,212,082, A>G on the plus strand (T>C on the coding strand, the complement: TNFRSF4 is on the minus strand). VCF-style: chr1-1212082-A-G. GRCh37 (hg19) VCF-style: chr1-1147462-A-G.
Other names: c.494T>C, p.Ile165Thr (LRG_1319t1); short protein forms I165T.
Identifiers: ClinVar variation 573043 (VCV000573043.37), dbSNP rs150407012, ClinGen allele CA512439.
Genomic context (GRCh38, chr1:1,212,082, plus strand): 5'-CTGGCCGGGGGGCCCTGGGTCTCCTGGGGCTGCGTGGCTGGGGGGTCCCTGTCCTCACAG[A>G]TTGCGTCCGAGCTATTGCTGGCCGGCTGCAGGGTGTGCTTCCCAGCCAAGGTGCAGCTGT-3'
Protein context (NP_003318.1, residues 155-175): LQPASNSSDA[Ile165Thr]CEDRDPPATQ

ClinVar aggregate classification (germline): Conflicting classifications of pathogenicity. Review status: criteria provided, conflicting classifications (1 of 4 stars). 4 submissions from 4 submitters: Uncertain significance (2); Likely benign (2). Last evaluated 2026-02-01.

Conditions:
Combined immunodeficiency due to OX40 deficiency. Also called: OX40 DEFICIENCY; Immunodeficiency 16. Identifiers: Orphanet 431149, MedGen C3810053, MONDO:0014268, OMIM 615593.

Allele frequency attached by ClinVar (database versions not stated): 1000 Genomes Project 0.00020; 1000 Genomes Project 30x 0.00031; ESP Exome Variant Server 0.00085; gnomAD 0.00086 and 0.00090; TOPMed 0.00088; gnomAD exomes 0.00101 and 0.00104; ExAC 0.00117.

Submissions (4):

Labcorp Genetics (formerly Invitae), Labcorp
Classification: Likely benign for Combined immunodeficiency due to OX40 deficiency. Last evaluated: 2026-02-01. Review status: criteria provided, single submitter. Criteria: Invitae Variant Classification Sherloc (09022015). Collection method: clinical testing. Allele origin: germline.

Blueprint Genetics
Classification: Uncertain significance. Last evaluated: 2024-11-25. Review status: criteria provided, single submitter. Criteria: ACMG Guidelines, 2015. Collection method: clinical testing. Allele origin: germline.

CeGaT Center for Human Genetics Tuebingen
Classification: Likely benign. Last evaluated: 2022-04-01. Review status: criteria provided, single submitter. Criteria: CeGaT Center For Human Genetics Tuebingen Variant Classification Criteria Version 2. Collection method: clinical testing. Allele origin: germline. Affected: yes. Observed: 1 variant allele.
Comment: TNFRSF4: BP4

Center for Genomics, Ann and Robert H. Lurie Children's Hospital of Chicago
Classification: Uncertain significance for Combined immunodeficiency due to OX40 deficiency. Last evaluated: 2021-08-16. Review status: criteria provided, single submitter. Criteria: ACMG Guidelines, 2015. Collection method: clinical testing. Allele origin: germline.
Comment: TNFRSF4 NM_003327.3 exon 5 p.Ile165Thr (c.494T>C): This variant has not been reported in the literature but is present in 0.2% (24/15282) of Latino alleles in the Genome Aggregation Database. This variant is present in ClinVar (Variation ID: 573043). Evolutionary conservation suggests that this variant does not impact the protein; computational predictive tools are unclear. In summary, data on this variant is insufficient for disease classification. Therefore, the clinical significance of this variant is uncertain.